The following is an entry in ClinVar:

ClinVar aggregate classification (germline): Pathogenic/Likely pathogenic. Review status: criteria provided, multiple submitters, no conflicts (2 of 4 stars). 2 submissions from 2 submitters: Pathogenic (1); Likely pathogenic (1). Last evaluated 2022-02-28.

Conditions:
Leukodystrophy, hypomyelinating, 8, with or without oligodontia and/or hypogonadotropic hypogonadism. Also called: Endosteal sclerosis-cerebellar hypoplasia syndrome; Hypomyelinating leukodystrophy 8 with or without oligodontia and-or hypogonadotropic hypogonadism; LEUKODYSTROPHY, HYPOMYELINATING, 8, WITH HYPODONTIA AND HYPOGONADOTROPIC HYPOGONADISM. Identifiers: Orphanet 85186, Orphanet 88637, MedGen C3280644, MONDO:0013722, OMIM 614381.

Allele frequency attached by ClinVar (database versions not stated): gnomAD 0.00001; TOPMed 0.00001; gnomAD exomes below 0.00001.
gnomAD v4.1: 8 of 1,613,978 alleles (0.0005%); highest among the groups gnomAD compares: African/African-American, 0.0013%; no homozygotes.

Submissions (2):

Broad Center for Mendelian Genomics, Broad Institute of MIT and Harvard
Classification: Likely pathogenic for Leukodystrophy, hypomyelinating, 8, with or without oligodontia and/or hypogonadotropic hypogonadism. Last evaluated: 2022-02-28. Review status: criteria provided, single submitter. Criteria: ACMG Guidelines, 2015. Collection method: curation. Allele origin: germline. Inheritance: Autosomal recessive inheritance.
Comment: The c.2818-1G>T variant in POLR3B has not been previously reported in the literature in individuals with 4H leukodystrophy but has been identified in 0.0009% (1/113686) of European (non-Finnish) chromosomes by the Genome Aggregation Database (gnomAD; dbSNP ID: rs1057520785). Although this variant has been seen in the general population in a heterozygous state, its frequency is low enough to be consistent with a recessive carrier frequency. This variant has also been reported in ClinVar (Variation ID#: 379918) and has been interpreted as pathogenic by GeneDx. This variant is located in the 5' splice region. Computational tools predict a splicing impact, though this information is not predictive enough to determine pathogenicity. Loss of function of the POLR3B gene is an established disease mechanism in autosomal recessive 4H leukodystrophy. In summary, although additional studies are required to fully establish its clinical significance, this variant is likely pathogenic for autosomal recessive 4H leukodystrophy. ACMG/AMP Criteria applied: PVS1, PM2 (Richards 2015).

GeneDx
Classification: Pathogenic. Last evaluated: 2021-01-19. Review status: criteria provided, single submitter. Criteria: GeneDx Variant Classification Process June 2021. Collection method: clinical testing. Allele origin: germline. Affected: yes.
Comment: Canonical splice site variant predicted to result in a null allele in a gene for which loss-of-function is a known mechanism of disease; Not observed at a significant frequency in large population cohorts (Lek et al., 2016); Has not been previously published as pathogenic or benign to our knowledge

NM_018082.6(POLR3B):c.2818-1G>T

Genes: POLR3B (RNA polymerase III subunit B; plus strand), RFX4-AS1 (RFX4 antisense RNA 1; minus strand). Cytogenetic location: 12q23.3.
Variant type: single nucleotide variant.
Coding change: c.2818-1G>T on transcript NM_018082.6 (MANE Select); the canonical splice acceptor site of the intron before coding-DNA position 2818, G replaced by T.
Molecular consequence: splice acceptor variant.
Genome position (GRCh38, 1-based): chr12:106,496,751, G>T. VCF-style: chr12-106496751-G-T. GRCh37 (hg19) VCF-style: chr12-106890529-G-T.
Other names: c.2644-1G>T (NM_001160708.2).
Identifiers: ClinVar variation 379918 (VCV000379918.5), dbSNP rs1057520785, ClinGen allele CA16606058.